The following is an entry in ClinVar:

NM_002778.4(PSAP):c.-10A>G

Gene: PSAP (prosaposin; minus strand). Cytogenetic location: 10q22.1.
Variant type: single nucleotide variant.
Coding change: c.-10A>G on transcript NM_002778.4 (MANE Select); 10 bases upstream of the start codon, A replaced by G.
Molecular consequence: 5 prime UTR variant.
Genome position (GRCh38, 1-based): chr10:71,851,231, T>C on the plus strand (A>G on the coding strand, the complement: PSAP is on the minus strand). VCF-style: chr10-71851231-T-C. GRCh37 (hg19) VCF-style: chr10-73610988-T-C.
Other names: c.-10A>G (NM_001042465.3, NM_001042466.3).
Identifiers: ClinVar variation 258804 (VCV000258804.10), dbSNP rs76455588, ClinGen allele CA5547952.

ClinVar aggregate classification (germline): Benign. Review status: criteria provided, multiple submitters, no conflicts (2 of 4 stars). 7 submissions from 4 submitters: Benign (6). 1 of the submissions does not count toward it. Last evaluated 2018-01-13.

Conditions:
Krabbe disease due to saposin A deficiency. Also called: KRABBE DISEASE, ATYPICAL, DUE TO SAPOSIN A DEFICIENCY; Saposin A Deficiency. Identifiers: Orphanet 487, MedGen C2673266, MONDO:0012720, OMIM 611722.
Gaucher disease due to saposin C deficiency. Also called: Saposin C Deficiency; Atypical Gaucher disease due to saposin C deficiency. Identifiers: Orphanet 309252, Orphanet 355, MedGen C1864651, MONDO:0012517, OMIM 610539.
Combined PSAP deficiency (PSAPD). Also called: Encephalopathy due to prosaposin deficiency; PROSAPOSIN DEFICIENCY; COMBINED SAP DEFICIENCY. Identifiers: Orphanet 139406, MedGen C2673635, MONDO:0012719, OMIM 611721.
Sphingolipid activator protein 1 deficiency. Also called: Saposin B Deficiency; METACHROMATIC LEUKODYSTROPHY DUE TO CEREBROSIDE SULFATASE ACTIVATOR DEFICIENCY; Metachromatic leukodystrophy due to saposin B deficiency. Identifiers: Orphanet 512, MedGen C0268262, MONDO:0009590, OMIM 249900.

Allele frequency attached by ClinVar (database versions not stated): ExAC 0.00680; 1000 Genomes Project 30x 0.01015; gnomAD 0.01197 and 0.01105; gnomAD exomes 0.00162 and 0.00406; 1000 Genomes Project 0.00958; TOPMed 0.01252; ESP Exome Variant Server 0.01068.
gnomAD v4.1: 4,139 of 1,551,020 alleles (0.27%); highest among the groups gnomAD compares: African/African-American, 3.5%; 48 homozygotes.

Submissions (7):

Illumina Laboratory Services, Illumina
Classification: Benign for Combined PSAP deficiency. Last evaluated: 2018-01-13. Review status: criteria provided, single submitter. Criteria: ICSL Variant Classification Criteria 13 December 2019. Collection method: clinical testing. Allele origin: germline.
Comment: This variant was observed in the ICSL laboratory as part of a predisposition screen in an ostensibly healthy population. It had not been previously curated by ICSL or reported in the Human Gene Mutation Database (HGMD: prior to June 1st, 2018), and was therefore a candidate for classification through an automated scoring system. Utilizing variant allele frequency, disease prevalence and penetrance estimates, and inheritance mode, an automated score was calculated to assess if this variant is too frequent to cause the disease. Based on the score and internal cut-off values, a variant classified as benign is not then subjected to further curation. The score for this variant resulted in a classification of benign for this disease.

Illumina Laboratory Services, Illumina
Classification: Benign for Krabbe disease due to saposin A deficiency. Last evaluated: 2018-01-13. Review status: criteria provided, single submitter. Criteria: ICSL Variant Classification Criteria 13 December 2019. Collection method: clinical testing. Allele origin: germline.
Comment: the same text as in the submission from Illumina Laboratory Services, Illumina above.

Illumina Laboratory Services, Illumina
Classification: Benign for Gaucher disease due to saposin C deficiency. Last evaluated: 2018-01-13. Review status: criteria provided, single submitter. Criteria: ICSL Variant Classification Criteria 13 December 2019. Collection method: clinical testing. Allele origin: germline.
Comment: the same text as in the submission from Illumina Laboratory Services, Illumina above.

Illumina Laboratory Services, Illumina
Classification: Benign for Sphingolipid activator protein 1 deficiency. Last evaluated: 2018-01-13. Review status: criteria provided, single submitter. Criteria: ICSL Variant Classification Criteria 13 December 2019. Collection method: clinical testing. Allele origin: germline.
Comment: the same text as in the submission from Illumina Laboratory Services, Illumina above.

Breakthrough Genomics
Classification: Benign. Review status: criteria provided, single submitter. Criteria: ACMG Guidelines, 2015. Collection method: not provided. Allele origin: germline. Inheritance: Autosomal recessive inheritance. Affected: yes.

PreventionGenetics, part of Exact Sciences
Classification: Benign. Review status: criteria provided, single submitter. Criteria: ACMG Guidelines, 2015. Collection method: clinical testing. Allele origin: germline.

Mayo Clinic Laboratories, Mayo Clinic
Classification: Benign. Last evaluated: 2017-09-20. Review status: no assertion criteria provided. Collection method: clinical testing. Allele origin: unknown. Not counted in ClinVar's aggregate classification.